The following is an entry in ClinVar:

NM_000027.4(AGA):c.800dup (p.Pro268fs)

Gene: AGA (aspartylglucosaminidase; minus strand). Cytogenetic location: 4q34.3.
Variant type: Duplication.
Coding change: c.800dup on transcript NM_000027.4 (MANE Select); coding-DNA position 800, one base duplicated (T; older notation c.800dupT).
Protein change: p.Pro268fs; shifts the reading frame from proline 268.
Molecular consequence: frameshift variant. On other transcripts: non-coding transcript variant (1).
Genome position (GRCh38, 1-based): chr4:177,434,388, A duplicated on the plus strand (T on the coding strand, the reverse complement: AGA is on the minus strand). VCF-style (leftmost placement, unchanged base first): chr4-177434387-C-CA. GRCh37 (hg19) VCF-style: chr4-178355541-C-CA.
Other names: c.800dup (NM_000027.3); c.770dup, p.Pro258fs (NM_001171988.2); short protein forms P258fs, P268fs.
Identifiers: ClinVar variation 225 (VCV000000225.20), dbSNP rs386833436, ClinGen allele CA114060.

ClinVar aggregate classification (germline): Pathogenic/Likely pathogenic. Review status: criteria provided, multiple submitters, no conflicts (2 of 4 stars). 10 submissions from 10 submitters: Pathogenic (6); Likely pathogenic (1). 3 of the submissions do not count toward it. Last evaluated 2025-10-02.

Conditions:
Inborn genetic diseases. Identifiers: MedGen C0950123, MeSH D030342.
Aspartylglucosaminuria (AGU). Also called: GLYCOASPARAGINASE; GLYCOSYLASPARAGINASE DEFICIENCY; AGA DEFICIENCY; Aspartylglucos-aminuria; Aspartylglucos-amidase (AGA) deficiency. Identifiers: Orphanet 93, MedGen C0268225, MONDO:0008830, OMIM 208400, HP:0012068.

Allele frequency attached by ClinVar (database versions not stated): TOPMed below 0.00001; gnomAD exomes 0.00001 and 0.00003; gnomAD 0.00001; ExAC 0.00002.

Submissions (10):

Labcorp Genetics (formerly Invitae), Labcorp
Classification: Pathogenic for Aspartylglucosaminuria. Last evaluated: 2025-10-02. Review status: criteria provided, single submitter. Criteria: Invitae Variant Classification Sherloc (09022015). Collection method: clinical testing. Allele origin: germline.
Comment: This sequence change creates a premature translational stop signal (p.Pro268Alafs*52) in the AGA gene. While this is not anticipated to result in nonsense mediated decay, it is expected to disrupt the last 79 amino acid(s) of the AGA protein. This variant is present in population databases (rs386833436, gnomAD 0.02%). This premature translational stop signal has been observed in individual(s) with aspartylglucosaminuria (PMID: 1722323). ClinVar contains an entry for this variant (Variation ID: 225). Algorithms developed to predict the effect of variants on gene product structure and function are not available or were not evaluated for this variant. Experimental studies have shown that this premature translational stop signal affects AGA function (PMID: 1722323, 11309371). For these reasons, this variant has been classified as Pathogenic.

Natera, Inc.
Classification: Likely pathogenic for Aspartylglucosaminuria. Last evaluated: 2025-06-26. Review status: criteria provided, single submitter. Criteria: Natera Variant Classification Schema (03/2026). Collection method: clinical testing. Allele origin: germline.
Comment: The c.800dupT variant in AGA is a frameshift variant predicted to shift the reading frame beginning at codon 268 and leads to a stop codon 52 codons downstream. This variant is expected to result in nonsense mediated decay, truncation, or a dysfunctional protein product. This variant is rare in the general population with a frequency below the threshold expected for the associated phenotype(s). Functional studies show that this variant may disrupt protein function (PMID: 1722323). Given the available evidence, this variant is classified as Likely Pathogenic.

Baylor Genetics
Classification: Pathogenic for Aspartylglucosaminuria. Last evaluated: 2024-03-30. Review status: criteria provided, single submitter. Criteria: ACMG Guidelines, 2015. Collection method: clinical testing. Allele origin: unknown.

GeneDx
Classification: Pathogenic. Last evaluated: 2024-02-06. Review status: criteria provided, single submitter. Criteria: GeneDx Variant Classification Process June 2021. Collection method: clinical testing. Allele origin: germline. Affected: yes.
Comment: Published functional studies found this variant is associated with significantly reduced enzyme activity (PMID: 11309371); Frameshift variant predicted to result in abnormal protein length as the last 79 amino acids are replaced with 51 different amino acids, and other similar variants have been reported in HGMD; Also known as c.800_801insT; This variant is associated with the following publications: (PMID: 1722323, 11309371)

Revvity Omics, Revvity
Classification: Pathogenic for Aspartylglucosaminuria. Last evaluated: 2023-02-10. Review status: criteria provided, single submitter. Criteria: ACMG Guidelines, 2015. Collection method: clinical testing. Allele origin: germline.

Ambry Genetics
Classification: Pathogenic for Inborn genetic diseases. Last evaluated: 2021-02-11. Review status: criteria provided, single submitter. Criteria: Ambry Variant Classification Scheme 2023. Collection method: clinical testing. Allele origin: germline.
Comment: The c.800dupT (p.P268Afs*52) alteration, located in exon 7 (coding exon 7) of the AGA gene, consists of a duplication of T at position 800, causing a translational frameshift with a predicted alternate stop codon after 52 amino acids. This alteration occurs at the 3' terminus of the AGA gene, is not expected to trigger nonsense-mediated mRNA decay, and only impacts the last 79 amino acids of the protein. However, premature stop codons are typically deleterious in nature. Based on data from the Genome Aggregation Database (gnomAD) database, the AGA c.800dupT alteration was observed in 0.003% (7/251484) of total alleles studied, with a frequency of 0.02% (6/34592) in the Latino subpopulation. This alteration has been detected in a homozygous state in an individual with aspartylglucosaminidase, which was diagnosed via clinical features, detection of urinary glycoasparagines, and decreased AGA activity (Ikonen, 1991). This amino acid position is highly conserved in available vertebrate species. Based on the available evidence, this alteration is classified as pathogenic.

Women's Health and Genetics/Laboratory Corporation of America, LabCorp
Classification: Pathogenic for Aspartylglucosaminuria. Last evaluated: 2018-04-11. Review status: criteria provided, single submitter. Criteria: LabCorp Variant Classification Summary - May 2015. Collection method: clinical testing. Allele origin: germline.
Comment: Variant summary: AGA c.800dupT (p.Pro268AlafsX52) results in a premature termination codon, predicted to cause a truncation of the encoded protein or absence of the protein due to nonsense mediated decay, which are commonly known mechanisms for disease. The variant was observed with an allele freqyency of 2.8e-05 in 246258 control chromosomes (gnomAD). This frequency is not significantly higher than expected for a pathogenic variant in AGA causing Aspartylglucosaminuria (2.8e-05 vs 0.0049), allowing no conclusion about variant significance. The variant, c.800dupT, has been reported in the literature in a homozygous individual affected with Aspartylglucosaminuria, who presented with less than 10% normal AGA activity (Ikonen_1991). These data indicate that the variant may be associated with disease. A ClinVar submission from a clinical diagnostic laboratory (evaluation after 2014) cites the variant as "likely pathogenic." Based on the evidence outlined above, the variant was classified as pathogenic.

Counsyl
Classification: Likely pathogenic for Aspartylglucosaminuria. Last evaluated: 2016-02-12. Review status: no assertion criteria provided. Collection method: clinical testing. Allele origin: unknown. Not counted in ClinVar's aggregate classification.

OMIM
Classification: Pathogenic for ASPARTYLGLUCOSAMINURIA. Last evaluated: 1991-12-15. Review status: no assertion criteria provided. Collection method: literature only. Allele origin: germline. Not counted in ClinVar's aggregate classification.

Juha Muilu Group; Institute for Molecular Medicine Finland (FIMM)
Classification: Likely pathogenic for Aspartylglycosaminuria. Review status: no assertion criteria provided. Collection method: not provided. Allele origin: unknown. Not counted in ClinVar's aggregate classification.
Comment: FinDis database variant: This variant was not found or characterized by our laboratory, data were collected from public sources: see reference
ClinVar note: Converted during submission from probable-pathogenic to Likely pathogenic.

Literature cited by the submitters: PubMed 1722323 (cited by 6 submitters); PubMed 11309371 (cited by 3 submitters).